The following is an entry in ClinVar:

ClinVar aggregate classification (germline): Likely pathogenic. Review status: criteria provided, single submitter (1 of 4 stars). 2 submissions from 2 submitters: Likely pathogenic (1). 1 of the submissions does not count toward it. Last evaluated 2019-06-13.

Conditions:
Basal ganglia calcification, idiopathic, 7, autosomal recessive. Also called: PRIMARY FAMILIAL BRAIN CALCIFICATION 7, AUTOSOMAL RECESSIVE. Identifiers: MedGen C5193025, MONDO:0032673, OMIM 618317.

Allele frequency attached by ClinVar (database versions not stated): ExAC 0.00001; gnomAD exomes below 0.00001.

Submissions (2):

SIB Swiss Institute of Bioinformatics
Classification: Likely pathogenic for Basal ganglia calcification, idiopathic, 7, autosomal recessive. Last evaluated: 2019-06-13. Review status: criteria provided, single submitter. Criteria: ACMG Guidelines, 2015. Collection method: curation. Allele origin: unknown.
Comment: This variant is interpreted as a Likely pathogenic for Basal ganglia calcification, idiopathic, 7, autosomal recessive. The following ACMG Tag(s) were applied: PM2, PM3, PP1-Moderate.

OMIM
Classification: Pathogenic for PRIMARY FAMILIAL BRAIN CALCIFICATION 7, AUTOSOMAL RECESSIVE. Last evaluated: 2026-11-13. Review status: no assertion criteria provided. Collection method: literature only. Allele origin: germline. Not counted in ClinVar's aggregate classification.

Literature cited by the submitters: PubMed 29910000 (cited by SIB Swiss Institute of Bioinformatics and OMIM).

NM_020702.5(MYORG):c.1321C>G (p.Arg441Gly)

Gene: MYORG (myogenesis regulating glycosidase; minus strand). Cytogenetic location: 9p13.3.
Variant type: single nucleotide variant.
Coding change: c.1321C>G on transcript NM_020702.5 (MANE Select); coding-DNA position 1321, C replaced by G.
Protein change: p.Arg441Gly; replaces arginine 441 with glycine.
Molecular consequence: missense variant.
Genome position (GRCh38, 1-based): chr9:34,371,623, G>C on the plus strand (C>G on the coding strand, the complement: MYORG is on the minus strand). VCF-style: chr9-34371623-G-C. GRCh37 (hg19) VCF-style: chr9-34371621-G-C.
Other names: MYORG, ARG441GLY (rs749427106); short protein forms R441G.
Identifiers: ClinVar variation 617690 (VCV000617690.3), dbSNP rs749427106, ClinGen allele CA5032948.